The following is an entry in ClinVar:

ClinVar aggregate classification (germline): Uncertain significance. Review status: criteria provided, multiple submitters, no conflicts (2 of 4 stars). 2 submissions from 2 submitters: Uncertain significance (2). Last evaluated 2025-12-01.

Conditions:
IGF1R-related disorder. Also called: IGF1R-related condition.

Allele frequency attached by ClinVar (database versions not stated): gnomAD exomes below 0.00001; ExAC 0.00001; gnomAD 0.00004; TOPMed 0.00004; ESP Exome Variant Server 0.00008.
gnomAD v4.1: 10 of 1,613,806 alleles (0.00062%); highest among the groups gnomAD compares: African/African-American, 0.012%; no homozygotes.

Submissions (2):

Labcorp Genetics (formerly Invitae), Labcorp
Classification: Uncertain significance. Last evaluated: 2025-12-01. Review status: criteria provided, single submitter. Criteria: Invitae Variant Classification Sherloc (09022015). Collection method: clinical testing. Allele origin: germline.
Comment: This sequence change replaces proline, which is neutral and non-polar, with serine, which is neutral and polar, at codon 1315 of the IGF1R protein (p.Pro1315Ser). This variant is present in population databases (rs144738779, gnomAD 0.007%). This variant has not been reported in the literature in individuals affected with IGF1R-related conditions. ClinVar contains an entry for this variant (Variation ID: 2958470). An algorithm developed to predict the effect of missense changes on protein structure and function (PolyPhen-2) suggests that this variant is likely to be tolerated. In summary, the available evidence is currently insufficient to determine the role of this variant in disease. Therefore, it has been classified as a Variant of Uncertain Significance.

PreventionGenetics, part of Exact Sciences
Classification: Uncertain significance for IGF1R-related condition. Last evaluated: 2025-09-12. Review status: criteria provided, single submitter. Criteria: ACMG Guidelines, 2015. Collection method: clinical testing. Allele origin: germline.
Comment: The IGF1R c.3943C>T variant is predicted to result in the amino acid substitution p.Pro1315Ser. To our knowledge, this variant has not been reported in the literature. This variant is reported in 0.0062% of alleles in individuals of African descent in gnomAD. At this time, the clinical significance of this variant is uncertain due to the absence of conclusive functional and genetic evidence.

NM_000875.5(IGF1R):c.3943C>T (p.Pro1315Ser)

Gene: IGF1R (insulin like growth factor 1 receptor; plus strand). Cytogenetic location: 15q26.3.
Variant type: single nucleotide variant.
Coding change: c.3943C>T on transcript NM_000875.5 (MANE Select); coding-DNA position 3943, C replaced by T.
Protein change: p.Pro1315Ser; replaces proline 1315 with serine.
Molecular consequence: missense variant.
Genome position (GRCh38, 1-based): chr15:98,957,281, C>T. VCF-style: chr15-98957281-C-T. GRCh37 (hg19) VCF-style: chr15-99500510-C-T.
Other names: c.3940C>T, p.Pro1314Ser (NM_001291858.2); c.3943C>T (NM_000875.4); short protein forms P1314S, P1315S.
Identifiers: ClinVar variation 2958470 (VCV002958470.4), dbSNP rs144738779, ClinGen allele CA7752838.